The following is an entry in ClinVar:

ClinVar aggregate classification (germline): Uncertain significance (1 of 4 stars; one submission).

Conditions:
Muscle AMP deaminase deficiency (MMDD). Also called: Myoadenylate deaminase deficiency, myopathy due to; Adenosine monophosphate deaminase 1 deficiency; AMP deaminase 1 deficiency; Adenosine Monophosphate Deaminase 1; ADENOSINE MONOPHOSPHATE DEAMINASE-1 DEFICIENCY, MYOPATHY DUE TO; AMPD1 DEFICIENCY. Identifiers: Orphanet 45, MedGen C3714933, MONDO:0014220, OMIM 615511.

Submission:

Labcorp Genetics (formerly Invitae), Labcorp
Classification: Uncertain significance for Muscle AMP deaminase deficiency. Last evaluated: 2021-06-12. Review status: criteria provided, single submitter. Criteria: Invitae Variant Classification Sherloc (09022015). Collection method: clinical testing. Allele origin: germline.
Comment: This sequence change replaces glutamic acid with alanine at codon 456 of the AMPD1 protein (p.Glu456Ala). The glutamic acid residue is highly conserved and there is a moderate physicochemical difference between glutamic acid and alanine. This variant is not present in population databases (ExAC no frequency). This variant has not been reported in the literature in individuals with AMPD1-related conditions. Algorithms developed to predict the effect of missense changes on protein structure and function (SIFT, PolyPhen-2, Align-GVGD) all suggest that this variant is likely to be disruptive, but these predictions have not been confirmed by published functional studies and their clinical significance is uncertain. In summary, the available evidence is currently insufficient to determine the role of this variant in disease. Therefore, it has been classified as a Variant of Uncertain Significance.

NM_000036.3(AMPD1):c.1268A>C (p.Glu423Ala)

Gene: AMPD1 (adenosine monophosphate deaminase 1; minus strand). Cytogenetic location: 1p13.2.
Variant type: single nucleotide variant.
Coding change: c.1268A>C on transcript NM_000036.3 (MANE Select); coding-DNA position 1268, A replaced by C.
Protein change: p.Glu423Ala; replaces glutamic acid 423 with alanine.
Molecular consequence: missense variant.
Genome position (GRCh38, 1-based): chr1:114,677,471, T>G on the plus strand (A>C on the coding strand, the complement: AMPD1 is on the minus strand). VCF-style: chr1-114677471-T-G. GRCh37 (hg19) VCF-style: chr1-115220092-T-G.
Other names: c.1256A>C, p.Glu419Ala (NM_001172626.2); short protein forms E419A, E423A.
Identifiers: ClinVar variation 1482835 (VCV001482835.8), dbSNP rs2101713600, ClinGen allele CA341748678.